The following continues an entry in ClinVar:

NM_000492.4(CFTR):c.508C>T (p.Arg170Cys)

Gene: CFTR. ClinVar aggregate classification (germline): Conflicting classifications of pathogenicity. Likely pathogenic (1); Uncertain significance (11).

Submissions 8 to 14 of 14:

Labcorp Genetics (formerly Invitae), Labcorp
Classification: Uncertain significance for Cystic fibrosis. Last evaluated: 2022-02-17. Review status: criteria provided, single submitter. Criteria: Invitae Variant Classification Sherloc (09022015). Collection method: clinical testing. Allele origin: germline.
Comment: This sequence change replaces arginine, which is basic and polar, with cysteine, which is neutral and slightly polar, at codon 170 of the CFTR protein (p.Arg170Cys). This variant is present in population databases (rs578029902, gnomAD 0.02%). This missense change has been observed in individual(s) with alcohol-related pancreatitis and congenital absence of the vas deferens (PMID: 14526128, 15097853, 15126740, 24958810). ClinVar contains an entry for this variant (Variation ID: 455782). Algorithms developed to predict the effect of missense changes on protein structure and function are either unavailable or do not agree on the potential impact of this missense change (SIFT: "Deleterious"; PolyPhen-2: "Probably Damaging"; Align-GVGD: "Class C0"). This variant disrupts the p.Arg170 amino acid residue in CFTR. Other variant(s) that disrupt this residue have been observed in individuals with CFTR-related conditions (PMID: 16189704, 16617247, 21520337), which suggests that this may be a clinically significant amino acid residue. In summary, the available evidence is currently insufficient to determine the role of this variant in disease. Therefore, it has been classified as a Variant of Uncertain Significance.

Genome-Nilou Lab
Classification: Uncertain significance for Cystic fibrosis. Last evaluated: 2021-09-05. Review status: criteria provided, single submitter. Criteria: ACMG Guidelines, 2015. Collection method: clinical testing. Allele origin: germline. Affected: no.

Mayo Clinic Laboratories, Mayo Clinic
Classification: Uncertain significance. Last evaluated: 2020-11-24. Review status: criteria provided, single submitter. Criteria: ACMG Guidelines, 2015. Collection method: clinical testing. Allele origin: germline. Observed: 1 variant allele.

ARUP Laboratories, Molecular Genetics and Genomics, ARUP Laboratories
Classification: Uncertain significance. Last evaluated: 2020-01-23. Review status: criteria provided, single submitter. Criteria: ARUP Molecular Germline Variant Investigation Process. Collection method: clinical testing. Allele origin: germline.
Comment: The CFTR c.508C>T; p.Arg170Cys variant (rs578029902) is reported in the literature in the heterozygous state individuals affected with CFTR-related disorders (Casals 2004, Coste 2004, de Cid 2010, Sharma 2014), and in one individual with alcohol-related pancreatitis who also carries a common pathogenic CFTR variant (Bernardino 2003). This variant is reported in ClinVar (Variation ID: 455782), and is found in the general population with an overall allele frequency of 0.005% (13/250410 alleles) in the Genome Aggregation Database. The arginine at residue 170 is highly conserved, and computational algorithms (PolyPhen-2, SIFT) predict that this variant is deleterious. Additionally, other variants at this codon (c.509G>A; p.Arg170His, c.508C>G; p.Arg170Gly) have been reported in individuals with CFTR-related diseases (Palermo 2016, see link to cystic fibrosis mutation database). Based on available information, the p.Arg170Cys variant is not expected to cause classic cystic fibrosis, however, it remains uncertain whether it may contribute to the clinical phenotype in individuals with milder CFTR-related disease (e.g., an isolated presentation of pancreatitis, congenital bilateral absence of the vas deferens, or mild lung disease). References: Link to cystic fibrosis mutation database: Bernardino AL et al. CFTR, PRSS1 and SPINK1 mutations in the development of pancreatitis in Brazilian patients. JOP. 2003 Sep;4(5):169-77. Casals T et al. Different CFTR mutational spectrum in alcoholic and idiopathic chronic pancreatitis? Pancreas. 2004 May;28(4):374-9. Coste A et al. Atypical sinusitis in adults must lead to looking for cystic fibrosis and primary ciliary dyskinesia. Laryngoscope. 2004 May;114(5):839-43. de Cid R et al. Independent contribution of common CFTR variants to chronic pancreatitis. Pancreas. 2010 Mar;39(2):209-15. Palermo JJ et al. Genophenotypic Analysis of Pediatric Patients With Acute Recurrent and Chronic Pancreatitis. Pancreas. 2016 Oct;45(9):1347-52. Sharma H et al. Heterogeneous spectrum of mutations in CFTR gene from Indian patients with congenital absence of the vas deferens and their association with cystic fibrosis genetic modifiers. Mol Hum Reprod. 2014 Sep;20(9):827-35.

Neuberg Centre For Genomic Medicine, NCGM
Classification: Uncertain significance for Hereditary pancreatitis. Review status: criteria provided, single submitter. Criteria: ACMG Guidelines, 2015. Collection method: clinical testing. Allele origin: germline. Inheritance: Autosomal dominant inheritance. Affected: yes.
Comment: The missense variant c.508C>T(p.Arg170Cys) in CFTR (NM_000235.4) has been submitted to ClinVar as a Variant of Uncertain Significance. This variant was detected in an individual with alcohol related pancreatitis in conjunction with p.F508del (Bernardino AL et al., 2003). This variant was also found in one individual with alcohol related pancreatitis and infertility and one individual with congenital absence of the vas deferens (Casals T et al., 2004; Sharma H et al., 2014). This variant is reported with the allele frequency of 0.005% and 0.02% in the gnomad and 1000 genome databases respectively. The amino acid Arginine at position 170 is changed to a Cysteine changing protein sequence and it might alter its composition and physico-chemical properties. The p.Arg170Cys missense variant is predicted to be damaging by both SIFT and PolyPhen2. The residue is conserved across species. For these reasons, this variant has been classified as Uncertain Significance.

Natera, Inc.
Classification: Uncertain significance for CFTR-related disorders. Last evaluated: 2018-05-08. Review status: no assertion criteria provided. Collection method: clinical testing. Allele origin: germline. Not counted in ClinVar's aggregate classification.

Counsyl
Classification: Uncertain significance for Cystic fibrosis. Last evaluated: 2017-06-28. Review status: no assertion criteria provided. Collection method: clinical testing. Allele origin: unknown. Not counted in ClinVar's aggregate classification.

Literature cited by the submitters: PubMed 11379874 (cited by Ambry Genetics and Women's Health and Genetics/Laboratory Corporation of America, LabCorp); PubMed 14526128 (cited by 4 submitters); PubMed 15097853 (cited by 3 submitters); PubMed 24958810 (cited by 5 submitters); PubMed 34860163 (cited by Ambry Genetics and Women's Health and Genetics/Laboratory Corporation of America, LabCorp); PubMed 19812525 (cited by Women's Health and Genetics/Laboratory Corporation of America, LabCorp and Dasa); PubMed 15536480 (cited by Women's Health and Genetics/Laboratory Corporation of America, LabCorp); PubMed 16251901 (cited by Women's Health and Genetics/Laboratory Corporation of America, LabCorp); PubMed 15126740 (cited by 4 submitters); PubMed 28544683 (cited by Women's Health and Genetics/Laboratory Corporation of America, LabCorp and Johns Hopkins Genomics, Johns Hopkins University); PubMed 26900683 (cited by Women's Health and Genetics/Laboratory Corporation of America, LabCorp); PubMed 30592194 (cited by Women's Health and Genetics/Laboratory Corporation of America, LabCorp); PubMed 33771570 (cited by Women's Health and Genetics/Laboratory Corporation of America, LabCorp); PubMed 28366727 (cited by Johns Hopkins Genomics, Johns Hopkins University); PubMed 16189704 (cited by Labcorp Genetics (formerly Invitae), Labcorp); PubMed 16617247 (cited by Labcorp Genetics (formerly Invitae), Labcorp); PubMed 21520337 (cited by Labcorp Genetics (formerly Invitae), Labcorp).